The following is an entry in ClinVar:

NM_000260.4(MYO7A):c.6424dup (p.Asp2142fs)

Gene: MYO7A (myosin VIIA; plus strand). Cytogenetic location: 11q13.5.
Variant type: Duplication.
Coding change: c.6424dup on transcript NM_000260.4 (MANE Select); coding-DNA position 6424, one base duplicated (G; older notation c.6424dupG).
Protein change: p.Asp2142fs; shifts the reading frame from aspartic acid 2142.
Molecular consequence: frameshift variant.
Genome position (GRCh38, 1-based): chr11:77,213,021, G duplicated. VCF-style (leftmost placement, unchanged base first): chr11-77213020-C-CG. GRCh37 (hg19) VCF-style: chr11-76924065-C-CG.
Other names: c.6304dup, p.Asp2102fs (NM_001127180.2); c.6277dup, p.Asp2093fs (NM_001369365.1); short protein forms D2102fs, D2093fs, D2142fs.
Identifiers: ClinVar variation 1395442 (VCV001395442.6), dbSNP rs2135799143, ClinGen allele CA2573147846.

ClinVar aggregate classification (germline): Pathogenic (1 of 4 stars; one submission).

Submission:

Labcorp Genetics (formerly Invitae), Labcorp
Classification: Pathogenic. Last evaluated: 2021-08-27. Review status: criteria provided, single submitter. Criteria: Invitae Variant Classification Sherloc (09022015). Collection method: clinical testing. Allele origin: germline.
Comment: This variant disrupts a region of the MYO7A protein in which other variant(s) (p.Thr2184Met) have been determined to be pathogenic (PMID: 26791358, 28041643). This suggests that this is a clinically significant region of the protein, and that variants that disrupt it are likely to be disease-causing. For these reasons, this variant has been classified as Pathogenic. This variant has not been reported in the literature in individuals affected with MYO7A-related conditions. This variant is not present in population databases (ExAC no frequency). This sequence change creates a premature translational stop signal (p.Asp2142Glyfs*51) in the MYO7A gene. While this is not anticipated to result in nonsense mediated decay, it is expected to disrupt the last 74 amino acid(s) of the MYO7A protein.

Literature cited by the submitters: PubMed 26791358; PubMed 28041643.